The following is an entry in ClinVar:

ClinVar aggregate classification (germline): Conflicting classifications of pathogenicity. Review status: criteria provided, conflicting classifications (1 of 4 stars). 9 submissions from 8 submitters: Uncertain significance (3); Likely benign (3). 3 of the submissions do not count toward it. Last evaluated 2026-03-01.

Conditions:
Inborn genetic diseases. Identifiers: MedGen C0950123, MeSH D030342.
SAG-related disorder. Also called: SAG-related condition; SAG-related disorders.
Retinitis pigmentosa (RP). Identifiers: Orphanet 791, MedGen C0035334, MeSH D012174, MONDO:0019200, OMIM 268000. Inheritance: Autosomal dominant, autosomal recessive and X linked inheritance.
Oguchi disease. Also called: Oguchi's disease. Identifiers: Orphanet 75382, MedGen C1306122, MONDO:0019152.

Allele frequency attached by ClinVar (database versions not stated): ExAC 0.00032; gnomAD exomes 0.00041; ESP Exome Variant Server 0.00074; 1000 Genomes Project 30x 0.00078; 1000 Genomes Project 0.00080; gnomAD 0.00121 and 0.00129; TOPMed 0.00127.
gnomAD v4.1: 521 of 1,613,776 alleles (0.032%); highest among the groups gnomAD compares: African/African-American, 0.33%; 2 homozygotes.

Submissions (9):

CeGaT Center for Human Genetics Tuebingen
Classification: Likely benign. Last evaluated: 2026-03-01. Review status: criteria provided, single submitter. Criteria: CeGaT Center For Human Genetics Tuebingen Variant Classification Criteria Version 2. Collection method: clinical testing. Allele origin: germline. Affected: yes. Observed: 1 variant allele.
Comment: SAG: BP4

Labcorp Genetics (formerly Invitae), Labcorp
Classification: Likely benign. Last evaluated: 2026-01-05. Review status: criteria provided, single submitter. Criteria: Invitae Variant Classification Sherloc (09022015). Collection method: clinical testing. Allele origin: germline.

Ambry Genetics
Classification: Uncertain significance for Inborn genetic diseases. Last evaluated: 2025-08-23. Review status: criteria provided, single submitter. Criteria: Ambry Variant Classification Scheme 2023. Collection method: clinical testing. Allele origin: germline.

Blueprint Genetics
Classification: Likely benign. Last evaluated: 2024-09-16. Review status: criteria provided, single submitter. Criteria: ACMG Guidelines, 2015. Collection method: clinical testing. Allele origin: germline.

Illumina Laboratory Services, Illumina
Classification: Uncertain significance for Retinitis pigmentosa. Last evaluated: 2018-01-13. Review status: criteria provided, single submitter. Criteria: ICSL Variant Classification Criteria 13 December 2019. Collection method: clinical testing. Allele origin: germline.

Illumina Laboratory Services, Illumina
Classification: Uncertain significance for Oguchi disease-1. Last evaluated: 2018-01-13. Review status: criteria provided, single submitter. Criteria: ICSL Variant Classification Criteria 13 December 2019. Collection method: clinical testing. Allele origin: germline.

PreventionGenetics, part of Exact Sciences
Classification: Likely benign for SAG-related condition. Last evaluated: 2023-02-22. Review status: no assertion criteria provided. Collection method: clinical testing. Allele origin: germline. Not counted in ClinVar's aggregate classification.
Comment: This variant is classified as likely benign based on ACMG/AMP sequence variant interpretation guidelines (Richards et al. 2015 PMID: 25741868, with internal and published modifications).

Clinical Genetics, Academic Medical Center
Classification: Uncertain significance. Review status: no assertion criteria provided. Collection method: clinical testing. Allele origin: germline. Affected: yes. Study: VKGL Data-share Consensus. Not counted in ClinVar's aggregate classification.

Joint Genome Diagnostic Labs from Nijmegen and Maastricht, Radboudumc and MUMC+
Classification: Uncertain significance. Review status: no assertion criteria provided. Collection method: clinical testing. Allele origin: germline. Affected: yes. Study: VKGL Data-share Consensus. Not counted in ClinVar's aggregate classification.

NM_000541.5(SAG):c.31G>A (p.Glu11Lys)

Gene: SAG (S-antigen visual arrestin; plus strand). Cytogenetic location: 2q37.1.
Variant type: single nucleotide variant.
Coding change: c.31G>A on transcript NM_000541.5 (MANE Select); coding-DNA position 31, G replaced by A.
Protein change: p.Glu11Lys; replaces glutamic acid 11 with lysine.
Molecular consequence: missense variant.
Genome position (GRCh38, 1-based): chr2:233,309,220, G>A. VCF-style: chr2-233309220-G-A. GRCh37 (hg19) VCF-style: chr2-234217866-G-A.
Other names: short protein forms E11K.
Identifiers: ClinVar variation 791237 (VCV000791237.26), dbSNP rs200078242, ClinGen allele CA2174177.